The following is an entry in ClinVar:

ClinVar aggregate classification (germline): Uncertain significance (1 of 4 stars; one submission).

gnomAD v4.1: 1 of 1,614,068 alleles (0.000062%); no homozygotes.

Submission:

GeneDx
Classification: Uncertain significance. Last evaluated: 2023-01-30. Review status: criteria provided, single submitter. Criteria: GeneDx Variant Classification Process June 2021. Collection method: clinical testing. Allele origin: germline. Affected: yes.
Comment: Not observed at significant frequency in large population cohorts (gnomAD); In silico analysis supports that this missense variant does not alter protein structure/function; Has not been previously published as pathogenic or benign to our knowledge

NM_001378457.1(DMXL2):c.7319C>T (p.Pro2440Leu)

Gene: DMXL2 (Dmx like 2; minus strand). Cytogenetic location: 15q21.2.
Variant type: single nucleotide variant.
Coding change: c.7319C>T on transcript NM_001378457.1 (MANE Select); coding-DNA position 7319, C replaced by T.
Protein change: p.Pro2440Leu; replaces proline 2440 with leucine.
Molecular consequence: missense variant. On other transcripts: non-coding transcript variant (2).
Genome position (GRCh38, 1-based): chr15:51,471,296, G>A on the plus strand (C>T on the coding strand, the complement: DMXL2 is on the minus strand). VCF-style: chr15-51471296-G-A. GRCh37 (hg19) VCF-style: chr15-51763493-G-A.
Other names: c.7319C>T, p.Pro2440Leu (NM_001174116.3, NM_001378459.1, NM_001378461.1 and 1 more transcripts); c.5408C>T, p.Pro1803Leu (NM_001174117.3); c.7316C>T, p.Pro2439Leu (NM_001378458.1, NM_001378462.1, NM_015263.5); c.5297C>T, p.Pro1766Leu (NM_001378460.1); c.7076C>T, p.Pro2359Leu (NM_001378464.1); short protein forms P1766L, P1803L, P2359L, P2439L, P2440L.
Identifiers: ClinVar variation 2574510 (VCV002574510.1), dbSNP rs2548416541, ClinGen allele CA392440253.